The following is an entry in ClinVar:

NM_000038.6(APC):c.1190A>G (p.Asp397Gly)

Gene: APC (APC regulator of Wnt signaling pathway; plus strand). Cytogenetic location: 5q22.2.
Variant type: single nucleotide variant.
Coding change: c.1190A>G on transcript NM_000038.6 (MANE Select); coding-DNA position 1190, A replaced by G.
Protein change: p.Asp397Gly; replaces aspartic acid 397 with glycine.
Molecular consequence: missense variant. On other transcripts: intron variant (4).
Genome position (GRCh38, 1-based): chr5:112,819,222, A>G. VCF-style: chr5-112819222-A-G. GRCh37 (hg19) VCF-style: chr5-112154919-A-G.
Other names: c.1190A>G, p.Asp397Gly (NM_001127510.3, NM_001354895.2, NM_001354896.2); c.1136A>G, p.Asp379Gly (NM_001127511.3); c.1220A>G, p.Asp407Gly (NM_001354897.2); c.1115A>G, p.Asp372Gly (NM_001354898.2); c.1106A>G, p.Asp369Gly (NM_001354899.2); c.1013A>G, p.Asp338Gly (NM_001354900.2, NM_001354901.2); c.341A>G, p.Asp114Gly (NM_001354906.2); c.964-47A>G (NM_001354902.2); and 3 more; short protein forms D397G, D407G, D338G, D379G, D114G, D372G, D369G.
Identifiers: ClinVar variation 1370478 (VCV001370478.8), dbSNP rs1195229686, ClinGen allele CA16023911.

ClinVar aggregate classification (germline): Uncertain significance (1 of 4 stars; one submission).

Conditions:
Familial adenomatous polyposis 1 (FAP1). Also called: FAMILIAL ADENOMATOUS POLYPOSIS 1, ATTENUATED; POLYPOSIS, ADENOMATOUS INTESTINAL. Identifiers: MedGen C2713442, MONDO:0021056, OMIM 175100. Disease mechanism: loss of function.

Submission:

Labcorp Genetics (formerly Invitae), Labcorp
Classification: Uncertain significance for Familial adenomatous polyposis 1. Last evaluated: 2023-06-13. Review status: criteria provided, single submitter. Criteria: Invitae Variant Classification Sherloc (09022015). Collection method: clinical testing. Allele origin: germline.
Comment: This sequence change replaces aspartic acid, which is acidic and polar, with glycine, which is neutral and non-polar, at codon 397 of the APC protein (p.Asp397Gly). This variant is not present in population databases (gnomAD no frequency). This variant has not been reported in the literature in individuals affected with APC-related conditions. ClinVar contains an entry for this variant (Variation ID: 1370478). Advanced modeling of protein sequence and biophysical properties (such as structural, functional, and spatial information, amino acid conservation, physicochemical variation, residue mobility, and thermodynamic stability) performed at Invitae indicates that this missense variant is not expected to disrupt APC protein function. In summary, the available evidence is currently insufficient to determine the role of this variant in disease. Therefore, it has been classified as a Variant of Uncertain Significance.